The following is an entry in ClinVar:

NM_001081.4(CUBN):c.2015C>G (p.Pro672Arg)

Gene: CUBN (cubilin; minus strand). Cytogenetic location: 10p13.
Variant type: single nucleotide variant.
Coding change: c.2015C>G on transcript NM_001081.4 (MANE Select); coding-DNA position 2015, C replaced by G.
Protein change: p.Pro672Arg; replaces proline 672 with arginine.
Molecular consequence: missense variant.
Genome position (GRCh38, 1-based): chr10:17,085,692, G>C on the plus strand (C>G on the coding strand, the complement: CUBN is on the minus strand). VCF-style: chr10-17085692-G-C. GRCh37 (hg19) VCF-style: chr10-17127691-G-C.
Other names: short protein forms P672R.
Identifiers: ClinVar variation 1380491 (VCV001380491.6), dbSNP rs776433038, ClinGen allele CA5425121.

ClinVar aggregate classification (germline): Uncertain significance (1 of 4 stars; one submission).

Conditions:
Imerslund-Grasbeck syndrome. Also called: Megaloblastic anemia due to inborn errors of metabolism; ENTEROCYTE COBALAMIN MALABSORPTION; ENTEROCYTE INTRINSIC FACTOR RECEPTOR, DEFECT OF; PERNICIOUS ANEMIA, JUVENILE, DUE TO SELECTIVE INTESTINAL MALABSORPTION OF VITAMIN B12, WITH PROTEINURIA; Imerslund-Gräsbeck syndrome. Identifiers: Orphanet 35858, MedGen C4551825, MONDO:0009853.

gnomAD v4.1: 1 of 1,613,914 alleles (0.000062%); highest among the groups gnomAD compares: Admixed American, 0.0017%; no homozygotes.

Submission:

Labcorp Genetics (formerly Invitae), Labcorp
Classification: Uncertain significance for Imerslund-Grasbeck syndrome. Last evaluated: 2025-06-12. Review status: criteria provided, single submitter. Criteria: Invitae Variant Classification Sherloc (09022015). Collection method: clinical testing. Allele origin: germline.
Comment: This sequence change replaces proline, which is neutral and non-polar, with arginine, which is basic and polar, at codon 672 of the CUBN protein (p.Pro672Arg). This variant is not present in population databases (gnomAD no frequency). This variant has not been reported in the literature in individuals affected with CUBN-related conditions. ClinVar contains an entry for this variant (Variation ID: 1380491). Invitae Evidence Modeling of protein sequence and biophysical properties (such as structural, functional, and spatial information, amino acid conservation, physicochemical variation, residue mobility, and thermodynamic stability) indicates that this missense variant is expected to disrupt CUBN protein function with a positive predictive value of 80%. In summary, the available evidence is currently insufficient to determine the role of this variant in disease. Therefore, it has been classified as a Variant of Uncertain Significance.